The following is an entry in ClinVar:

ClinVar aggregate classification (germline): Likely pathogenic. Review status: criteria provided, multiple submitters, no conflicts (2 of 4 stars). 3 submissions from 3 submitters: Likely pathogenic (2). 1 of the submissions does not count toward it. Last evaluated 2025-04-24.

Conditions:
Rhabdoid tumor predisposition syndrome 1 (RTPS1). Also called: Familial Posterior Fossa Brain Tumor of Infancy. Identifiers: Orphanet 231108, Orphanet 69077, MedGen C1836327, MONDO:0012252, OMIM 609322.
Hereditary cancer-predisposing syndrome. Also called: Neoplastic Syndromes, Hereditary; Tumor predisposition; Hereditary neoplastic syndrome; Hereditary Cancer Syndrome. Identifiers: Orphanet 140162, MedGen C0027672, MeSH D009386, MONDO:0015356.

Submissions (3):

Institute for Genomic Medicine (IGM) Clinical Laboratory, Nationwide Children's Hospital
Classification: Likely pathogenic for Hereditary cancer-predisposing syndrome. Last evaluated: 2025-04-24. Review status: criteria provided, single submitter. Criteria: ACMG Guidelines, 2015. Collection method: clinical testing. Allele origin: germline.
Comment: This variant is predicted to result in loss of function through nonsense-mediated decay of the encoded transcript or premature truncation of the encoded protein in a gene in which loss of function is a known mechanism of disease (ACMG/AMP: PVS1). This variant is absent from or present at an exceedingly low frequency in gnomAD, a large-scale control population database (ACMG/AMP: PM2).

Ambry Genetics
Classification: Likely pathogenic for Hereditary cancer-predisposing syndrome. Last evaluated: 2023-11-20. Review status: criteria provided, single submitter. Criteria: Ambry Variant Classification Scheme 2023. Collection method: clinical testing. Allele origin: germline.
Comment: The c.986+1G>A intronic variant results from a G to A substitution one nucleotide after coding exon 7 of the SMARCB1 gene. Alterations that disrupt the canonical splice site are expected to cause aberrant splicing, resulting in an abnormal protein or a transcript that is subject to nonsense-mediated mRNA decay. This nucleotide position is highly conserved in available vertebrate species. In silico splice site analysis predicts that this alteration will weaken the native splice donor site. Loss-of-function variants in SMARCB1 are known to cause rhabdoid tumor predisposition syndrome; however, such associations with neurodevelopmental disorders are exceedingly rare (Kosho T et al. Am J Med Genet C Semin Med Genet. 2014 Sep;166C(3):262-75; Eaton KW et al. Pediatr Blood Cancer. 2011 Jan;56(1):7-15). Based on the supporting evidence, this alteration is likely pathogenic for SMARCB1-related tumor predisposition syndrome; however, the association of this alteration with Coffin-Siris syndrome is unknown.

OMIM
Classification: Pathogenic for RHABDOID TUMOR PREDISPOSITION SYNDROME 1. Last evaluated: 2000-04-01. Review status: no assertion criteria provided. Collection method: literature only. Allele origin: germline. Not counted in ClinVar's aggregate classification.

Literature cited by the submitters: PubMed 10739763 (cited by OMIM).

NM_003073.5(SMARCB1):c.986+1G>A

Gene: SMARCB1 (SWI/SNF related BAF chromatin remodeling complex subunit B1; plus strand). Cytogenetic location: 22q11.23.
Variant type: single nucleotide variant.
Coding change: c.986+1G>A on transcript NM_003073.5 (MANE Select); the canonical splice donor site of the intron after coding-DNA position 986, G replaced by A.
Molecular consequence: splice donor variant.
Genome position (GRCh38, 1-based): chr22:23,825,416, G>A. VCF-style: chr22-23825416-G-A. GRCh37 (hg19) VCF-style: chr22-24167603-G-A.
Other names: IVS7DS, G-A, +1; c.1040+1G>A (NM_001362877.2); c.1013+1G>A (NM_001317946.2); c.959+1G>A (NM_001007468.3).
Identifiers: ClinVar variation 8025 (VCV000008025.3), dbSNP rs112038099, ClinGen allele CA410908374.
Genomic context (GRCh38, chr22:23,825,416, plus strand): 5'-CACCATCGCATACAGCATCCGGGGACAGCTGAGCTGGCATCAGAAGACCTACGCCTTCAG[G>A]TAGGATCATGCATGAGTCTCTCCCTCCCTCATCTCCCTGCAAAACTGTTTTGAGAAAGAC-3'